The following is an entry in ClinVar:

NM_001080779.2(MYO1C):c.1092+9G>A

Gene: MYO1C (myosin IC; minus strand). Cytogenetic location: 17p13.3.
Variant type: single nucleotide variant.
Coding change: c.1092+9G>A on transcript NM_001080779.2 (MANE Select); 9 bases into the intron after coding-DNA position 1092, G replaced by A.
Molecular consequence: intron variant.
Genome position (GRCh38, 1-based): chr17:1,479,422, C>T on the plus strand (G>A on the coding strand, the complement: MYO1C is on the minus strand). VCF-style: chr17-1479422-C-T. GRCh37 (hg19) VCF-style: chr17-1382716-C-T.
Other names: c.987+9G>A (NM_033375.5); c.1035+9G>A (NM_001080950.2); c.1020+9G>A (NM_001363855.1).
Identifiers: ClinVar variation 3052648 (VCV003052648.2), dbSNP rs559553176, ClinGen allele CA286795749.
Genomic context (GRCh38, chr17:1,479,422, plus strand): 5'-AGTGATGGGAGTAGGGGCTGCCTTGGAACAGCTGCCCCTCCACACCCGAGGGCAAGGGCC[C>T]GGCCTCACCTCCTCCCCCTTGGCGATGATCTTCCTGTGTGTCAGGGCTTCTCGCAGCGTC-3'

ClinVar aggregate classification (germline): Likely benign (0 of 4 stars; one submission).

Conditions:
MYO1C-related disorder. Also called: MYO1C-related condition.

Allele frequency attached by ClinVar (database versions not stated): gnomAD 0.00001; TOPMed 0.00001; gnomAD exomes 0.00003; 1000 Genomes Project 30x 0.00016; 1000 Genomes Project 0.00020.
gnomAD v4.1: 35 of 1,320,534 alleles (0.0027%); highest among the groups gnomAD compares: South Asian, 0.0038%; no homozygotes.

Submission:

PreventionGenetics, part of Exact Sciences
Classification: Likely benign for MYO1C-related condition. Last evaluated: 2019-09-05. Review status: no assertion criteria provided. Collection method: clinical testing. Allele origin: germline.
Comment: This variant is classified as likely benign based on ACMG/AMP sequence variant interpretation guidelines (Richards et al. 2015 PMID: 25741868, with internal and published modifications).